The following is an entry in ClinVar:

NM_000264.5(PTCH1):c.2023T>C (p.Tyr675His)

Genes: PTCH1 (patched 1; minus strand), LOC100507346 (uncharacterized LOC100507346; plus strand). Cytogenetic location: 9q22.32.
Variant type: single nucleotide variant.
Coding change: c.2023T>C on transcript NM_000264.5 (MANE Select); coding-DNA position 2023, T replaced by C.
Protein change: p.Tyr675His; replaces tyrosine 675 with histidine.
Molecular consequence: missense variant. On other transcripts: non-coding transcript variant (2).
Genome position (GRCh38, 1-based): chr9:95,468,978, A>G on the plus strand (T>C on the coding strand, the complement: PTCH1 is on the minus strand). VCF-style: chr9-95468978-A-G. GRCh37 (hg19) VCF-style: chr9-98231260-A-G.
Other names: c.1825T>C, p.Tyr609His (NM_001083602.3); c.2020T>C, p.Tyr674His (NM_001083603.3); c.1570T>C, p.Tyr524His (NM_001083604.3, NM_001083605.3, NM_001083606.3 and 1 more transcripts); c.1867T>C, p.Tyr623His (NM_001354918.2); short protein forms Y623H, Y675H, Y524H, Y609H, Y674H.
Identifiers: ClinVar variation 1355971 (VCV001355971.6), dbSNP rs2118044840, ClinGen allele CA374115820.

ClinVar aggregate classification (germline): Uncertain significance (1 of 4 stars; one submission).

Conditions:
Gorlin syndrome. Also called: Basal cell nevus syndrome; Nevoid Basal Cell Carcinoma Syndrome. Identifiers: Orphanet 377, MedGen C0004779, MONDO:0007187.

Submission:

Labcorp Genetics (formerly Invitae), Labcorp
Classification: Uncertain significance for Gorlin syndrome. Last evaluated: 2024-09-03. Review status: criteria provided, single submitter. Criteria: Invitae Variant Classification Sherloc (09022015). Collection method: clinical testing. Allele origin: germline.
Comment: This sequence change replaces tyrosine, which is neutral and polar, with histidine, which is basic and polar, at codon 675 of the PTCH1 protein (p.Tyr675His). This variant is not present in population databases (gnomAD no frequency). This variant has not been reported in the literature in individuals affected with PTCH1-related conditions. ClinVar contains an entry for this variant (Variation ID: 1355971). Invitae Evidence Modeling of protein sequence and biophysical properties (such as structural, functional, and spatial information, amino acid conservation, physicochemical variation, residue mobility, and thermodynamic stability) indicates that this missense variant is not expected to disrupt PTCH1 protein function with a negative predictive value of 95%. In summary, the available evidence is currently insufficient to determine the role of this variant in disease. Therefore, it has been classified as a Variant of Uncertain Significance.